The following is an entry in ClinVar:

NM_001190787.3(MCIDAS):c.167C>T (p.Pro56Leu)

Gene: MCIDAS (multiciliate differentiation and DNA synthesis associated cell cycle protein; minus strand). Cytogenetic location: 5q11.2.
Variant type: single nucleotide variant.
Coding change: c.167C>T on transcript NM_001190787.3 (MANE Select); coding-DNA position 167, C replaced by T.
Protein change: p.Pro56Leu; replaces proline 56 with leucine.
Molecular consequence: missense variant.
Genome position (GRCh38, 1-based): chr5:55,226,885, G>A on the plus strand (C>T on the coding strand, the complement: MCIDAS is on the minus strand). VCF-style: chr5-55226885-G-A. GRCh37 (hg19) VCF-style: chr5-54522713-G-A.
Other names: short protein forms P56L.
Identifiers: ClinVar variation 2141757 (VCV002141757.4), dbSNP rs1745466454, ClinGen allele CA359734278.
Genomic context (GRCh38, chr5:55,226,885, plus strand): 5'-CGGGGCTCACCTGGCAGCGCTGTGGGCTCGGCGTCCGGGGGATCCTCGTACACCGACACC[G>A]GGCTCCCGCCTGTGCATCCGGGGAAGAACTTCCGCGGAGGAGCGAACTGGCCGGGCACAC-3'
Protein context (NP_001177716.1, residues 46-66): KFFPGCTGGS[Pro56Leu]VSVYEDPPDA

ClinVar aggregate classification (germline): Uncertain significance (1 of 4 stars; one submission).

Conditions:
Primary ciliary dyskinesia. Also called: Ciliary dyskinesia. Identifiers: Orphanet 244, MedGen C0008780, MONDO:0016575, HP:0012265.

Allele frequency attached by ClinVar (database versions not stated): gnomAD exomes below 0.00001; TOPMed 0.00001.
gnomAD v4.1: 7 of 1,410,100 alleles (0.0005%); highest among the groups gnomAD compares: Non-Finnish European, 0.00037%; no homozygotes.

Submission:

Labcorp Genetics (formerly Invitae), Labcorp
Classification: Uncertain significance for Primary ciliary dyskinesia. Last evaluated: 2024-12-20. Review status: criteria provided, single submitter. Criteria: Invitae Variant Classification Sherloc (09022015). Collection method: clinical testing. Allele origin: germline.
Comment: This sequence change replaces proline, which is neutral and non-polar, with leucine, which is neutral and non-polar, at codon 56 of the MCIDAS protein (p.Pro56Leu). This variant is not present in population databases (gnomAD no frequency). This variant has not been reported in the literature in individuals affected with MCIDAS-related conditions. ClinVar contains an entry for this variant (Variation ID: 2141757). Invitae Evidence Modeling of protein sequence and biophysical properties (such as structural, functional, and spatial information, amino acid conservation, physicochemical variation, residue mobility, and thermodynamic stability) indicates that this missense variant is not expected to disrupt MCIDAS protein function with a negative predictive value of 80%. In summary, the available evidence is currently insufficient to determine the role of this variant in disease. Therefore, it has been classified as a Variant of Uncertain Significance.